The following is an entry in ClinVar:

NM_024334.3(TMEM43):c.1087A>T (p.Thr363Ser)

Gene: TMEM43 (transmembrane protein 43; plus strand). Cytogenetic location: 3p25.1.
Variant type: single nucleotide variant.
Coding change: c.1087A>T on transcript NM_024334.3 (MANE Select); coding-DNA position 1087, A replaced by T.
Protein change: p.Thr363Ser; replaces threonine 363 with serine.
Molecular consequence: missense variant.
Genome position (GRCh38, 1-based): chr3:14,141,679, A>T. VCF-style: chr3-14141679-A-T. GRCh37 (hg19) VCF-style: chr3-14183179-A-T.
Other names: c.1090A>T, p.Thr364Ser (NM_001407274.1); c.1084A>T, p.Thr362Ser (NM_001407275.1, NM_001407276.1); c.1081A>T, p.Thr361Ser (NM_001407277.1); c.1072A>T, p.Thr358Ser (NM_001407278.1); c.1012A>T, p.Thr338Ser (NM_001407279.1); c.937A>T, p.Thr313Ser (NM_001407280.1); short protein forms T313S, T338S, T358S, T361S, T362S, T363S, T364S.
Identifiers: ClinVar variation 3893773 (VCV003893773.1).
Genomic context (GRCh38, chr3:14,141,679, plus strand): 5'-CTGGTCAACATTGGCCTGAAAGCCTTTGCCTTCTGTGTGGCCACCTCGCTGACCCTGCTG[A>T]CCGTGGCGGCTGGCTGGCTCTTCTACCGACCCCTGTGGGCCCTCCTCATTGCCGGCCTGG-3'
Protein context (NP_077310.1, residues 353-373): FCVATSLTLL[Thr363Ser]VAAGWLFYRP

ClinVar aggregate classification (germline): Uncertain significance (1 of 4 stars; one submission).

Conditions:
Cardiomyopathy (CMYO). Also called: Cardiomyopathies. Identifiers: Orphanet 167848, MedGen C0878544, MONDO:0004994, HP:0001638. Inheritance: Various modes of inheritance.

Submission:

Color Diagnostics, LLC DBA Color Health
Classification: Uncertain significance for Cardiomyopathy. Last evaluated: 2024-04-07. Review status: criteria provided, single submitter. Criteria: ACMG Guidelines, 2015. Collection method: clinical testing. Allele origin: germline.
Comment: This missense variant replaces threonine with serine at codon 363 of the TMEM43 protein. Computational prediction suggests that this variant may not impact protein structure and function (internally defined REVEL score threshold <= 0.5, PMID: 27666373). To our knowledge, functional studies have not been reported for this variant. This variant has not been reported in individuals affected with TMEM43-related disorders in the literature. This variant has not been identified in the general population by the Genome Aggregation Database (gnomAD). The available evidence is insufficient to determine the role of this variant in disease conclusively. Therefore, this variant is classified as a Variant of Uncertain Significance.